The following is an entry in ClinVar:

ClinVar aggregate classification (germline): Uncertain significance. Review status: criteria provided, multiple submitters, no conflicts (2 of 4 stars). 2 submissions from 2 submitters: Uncertain significance (2). Last evaluated 2026-08-30.

Conditions:
Early-infantile DEE. Also called: Early infantile epileptic encephalopathy; Ohtahara syndrome; Early infantile epileptic encephalopathy with suppression bursts. Identifiers: Orphanet 1934, MedGen C0393706, MONDO:0800491.

gnomAD v4.1: 6 of 1,613,836 alleles (0.00037%); highest among the groups gnomAD compares: Non-Finnish European, 0.00051%; no homozygotes.

Submissions (2):

GeneDx
Classification: Uncertain significance. Last evaluated: 2026-08-30. Review status: criteria provided, single submitter. Criteria: GeneDx Variant Classification Process June 2021. Collection method: clinical testing. Allele origin: germline.
Comment: Not observed at significant frequency in large population cohorts (gnomAD); In silico analysis supports that this missense variant has a deleterious effect on protein structure/function; Has not been previously published as pathogenic or benign to our knowledge; This substitution is predicted to be within the C-terminal cytoplasmic domain

Labcorp Genetics (formerly Invitae), Labcorp
Classification: Uncertain significance for Early-infantile DEE. Last evaluated: 2026-01-11. Review status: criteria provided, single submitter. Criteria: Invitae Variant Classification Sherloc (09022015). Collection method: clinical testing. Allele origin: germline.
Comment: This sequence change replaces lysine, which is basic and polar, with asparagine, which is neutral and polar, at codon 1814 of the SCN1A protein (p.Lys1814Asn). This variant is present in population databases (no rsID available, gnomAD 0.0009%). This variant has not been reported in the literature in individuals affected with SCN1A-related conditions. ClinVar contains an entry for this variant (Variation ID: 2430626). Invitae Evidence Modeling of protein sequence and biophysical properties (such as structural, functional, and spatial information, amino acid conservation, physicochemical variation, residue mobility, and thermodynamic stability) indicates that this missense variant is expected to disrupt SCN1A protein function with a positive predictive value of 95%. In summary, the available evidence is currently insufficient to determine the role of this variant in disease. Therefore, it has been classified as a Variant of Uncertain Significance.

NM_001165963.4(SCN1A):c.5442G>C (p.Lys1814Asn)

Genes: SCN1A (sodium voltage-gated channel alpha subunit 1; minus strand), LOC102724058 (uncharacterized LOC102724058; plus strand). Cytogenetic location: 2q24.3.
Variant type: single nucleotide variant.
Coding change: c.5442G>C on transcript NM_001165963.4 (MANE Select); coding-DNA position 5442, G replaced by C.
Protein change: p.Lys1814Asn; replaces lysine 1814 with asparagine.
Molecular consequence: missense variant. On other transcripts: non-coding transcript variant (1).
Genome position (GRCh38, 1-based): chr2:165,991,833, C>G on the plus strand (G>C on the coding strand, the complement: SCN1A is on the minus strand). VCF-style: chr2-165991833-C-G. GRCh37 (hg19) VCF-style: chr2-166848343-C-G.
Other names: c.5358G>C, p.Lys1786Asn (NM_001165964.3, NM_001353957.2, NM_001353958.2); c.5442G>C, p.Lys1814Asn (NM_001202435.3, NM_001353948.2); c.5409G>C, p.Lys1803Asn (NM_001353949.2, NM_001353950.2, NM_001353951.2 and 2 more transcripts); c.5406G>C, p.Lys1802Asn (NM_001353954.2, NM_001353955.2); c.5355G>C, p.Lys1785Asn (NM_001353960.2); c.3000G>C, p.Lys1000Asn (NM_001353961.2); short protein forms K1000N, K1785N, K1786N, K1802N, K1803N, K1814N.
Identifiers: ClinVar variation 2430626 (VCV002430626.4), dbSNP rs144595013, ClinGen allele CA349067544.